The following is an entry in ClinVar:

NM_003906.5(MCM3AP):c.1735TCCGAGGGC[1] (p.579SEG[1])

Gene: MCM3AP (minichromosome maintenance complex component 3 associated protein; minus strand). Cytogenetic location: 21q22.3.
Variant type: Microsatellite.
Coding change: c.1735TCCGAGGGC[1] on transcript NM_003906.5 (MANE Select); one copy of the 9-base unit TCCGAGGGC starting at c.1735; the reference has two copies in a row; one copy, 9 bases deleted.
Protein change: p.579SEG[1].
Molecular consequence: inframe deletion.
Genome position (GRCh38, 1-based): chr21:46,277,633-46,277,641, GCCCTCGGA deleted on the plus strand (TCCGAGGGC on the coding strand, the reverse complement: MCM3AP is on the minus strand); deleting any 9 consecutive bases within chr21:46,277,633-46,277,651 gives the same sequence; the position shown is the placement nearest the transcript's 3' end. VCF-style (leftmost placement, unchanged base first): chr21-46277632-GGCCCTCGGA-G. GRCh37 (hg19) VCF-style: chr21-47697546-GGCCCTCGGA-G.
Identifiers: ClinVar variation 2180880 (VCV002180880.1), dbSNP rs749037971, ClinGen allele CA10076988.
Genomic context (GRCh38, chr21:46,277,632, plus strand): 5'-CCTTGGATGTCTCAGCCACAGTGCCTATCAGGGTACTGAGGGAGAGCACACATGGCCCGA[GGCCCTCGGA>G]GCCCTCGGAGGCTGAGTCAAAAGAGTCTCCCTCGAATTGGTGGGCCTTTAGAAGACTTGG-3'

ClinVar aggregate classification (germline): Uncertain significance (1 of 4 stars; one submission).

Submission:

Labcorp Genetics (formerly Invitae), Labcorp
Classification: Uncertain significance. Last evaluated: 2022-02-08. Review status: criteria provided, single submitter. Criteria: Invitae Variant Classification Sherloc (09022015). Collection method: clinical testing. Allele origin: germline.
Comment: This variant, c.1744_1752del, results in the deletion of 3 amino acid(s) of the MCM3AP protein (p.Ser582_Gly584del), but otherwise preserves the integrity of the reading frame. This variant is present in population databases (rs749037971, gnomAD 0.003%). This variant has not been reported in the literature in individuals affected with MCM3AP-related conditions. Experimental studies and prediction algorithms are not available or were not evaluated, and the functional significance of this variant is currently unknown. In summary, the available evidence is currently insufficient to determine the role of this variant in disease. Therefore, it has been classified as a Variant of Uncertain Significance.